The following is an entry in ClinVar:

ClinVar aggregate classification (germline): Uncertain significance (1 of 4 stars; one submission).

Conditions:
Brugada syndrome 8 (BRGDA8). Identifiers: Orphanet 130, MedGen C2751083, MONDO:0013148, OMIM 613123.

gnomAD v4.1: 1 of 1,614,234 alleles (0.000062%); highest among the groups gnomAD compares: Non-Finnish European, 0.000085%; no homozygotes.

Submission:

Labcorp Genetics (formerly Invitae), Labcorp
Classification: Uncertain significance for Brugada syndrome 8. Last evaluated: 2024-02-16. Review status: criteria provided, single submitter. Criteria: Invitae Variant Classification Sherloc (09022015). Collection method: clinical testing. Allele origin: germline.
Comment: This sequence change replaces serine, which is neutral and polar, with tyrosine, which is neutral and polar, at codon 606 of the HCN4 protein (p.Ser606Tyr). This variant is not present in population databases (gnomAD no frequency). This variant has not been reported in the literature in individuals affected with HCN4-related conditions. Advanced modeling of protein sequence and biophysical properties (such as structural, functional, and spatial information, amino acid conservation, physicochemical variation, residue mobility, and thermodynamic stability) performed at Invitae indicates that this missense variant is not expected to disrupt HCN4 protein function with a negative predictive value of 80%. In summary, the available evidence is currently insufficient to determine the role of this variant in disease. Therefore, it has been classified as a Variant of Uncertain Significance.

NM_005477.3(HCN4):c.1817C>A (p.Ser606Tyr)

Gene: HCN4 (hyperpolarization activated cyclic nucleotide gated potassium channel 4; minus strand). Cytogenetic location: 15q24.1.
Variant type: single nucleotide variant.
Coding change: c.1817C>A on transcript NM_005477.3 (MANE Select); coding-DNA position 1817, C replaced by A.
Protein change: p.Ser606Tyr; replaces serine 606 with tyrosine.
Molecular consequence: missense variant.
Genome position (GRCh38, 1-based): chr15:73,325,116, G>T on the plus strand (C>A on the coding strand, the complement: HCN4 is on the minus strand). VCF-style: chr15-73325116-G-T. GRCh37 (hg19) VCF-style: chr15-73617457-G-T.
Other names: short protein forms S606Y.
Identifiers: ClinVar variation 3712012 (VCV003712012.2).